The following is an entry in ClinVar:

ClinVar aggregate classification (germline): Uncertain significance (1 of 4 stars; one submission).

Submission:

Labcorp Genetics (formerly Invitae), Labcorp
Classification: Uncertain significance. Last evaluated: 2024-02-24. Review status: criteria provided, single submitter. Criteria: Invitae Variant Classification Sherloc (09022015). Collection method: clinical testing. Allele origin: germline.
Comment: This sequence change replaces lysine, which is basic and polar, with arginine, which is basic and polar, at codon 294 of the DNAJC21 protein (p.Lys294Arg). The frequency data for this variant in the population databases is considered unreliable, as metrics indicate poor data quality at this position in the gnomAD database. This variant has not been reported in the literature in individuals affected with DNAJC21-related conditions. Algorithms developed to predict the effect of missense changes on protein structure and function output the following: SIFT: "Not Available"; PolyPhen-2: "Benign"; Align-GVGD: "Not Available". The arginine amino acid residue is found in multiple mammalian species, which suggests that this missense change does not adversely affect protein function. In summary, the available evidence is currently insufficient to determine the role of this variant in disease. Therefore, it has been classified as a Variant of Uncertain Significance.

NM_001012339.3(DNAJC21):c.881A>G (p.Lys294Arg)

Gene: DNAJC21 (DnaJ heat shock protein family (Hsp40) member C21; plus strand). Cytogenetic location: 5p13.2.
Variant type: single nucleotide variant.
Coding change: c.881A>G on transcript NM_001012339.3 (MANE Select); coding-DNA position 881, A replaced by G.
Protein change: p.Lys294Arg; replaces lysine 294 with arginine.
Molecular consequence: missense variant.
Genome position (GRCh38, 1-based): chr5:34,938,995, A>G. VCF-style: chr5-34938995-A-G. GRCh37 (hg19) VCF-style: chr5-34939100-A-G.
Other names: c.881A>G, p.Lys294Arg (NM_001348420.2, NM_194283.4); short protein forms K294R.
Identifiers: ClinVar variation 3609647 (VCV003609647.1).